The following is an entry in ClinVar:

ClinVar aggregate classification (germline): Benign/Likely benign. Review status: criteria provided, multiple submitters, no conflicts (2 of 4 stars). 3 submissions from 3 submitters: Benign (1); Likely benign (2). Last evaluated 2024-09-10.

Conditions:
Hereditary cancer-predisposing syndrome. Also called: Neoplastic Syndromes, Hereditary; Tumor predisposition; Hereditary Cancer Syndrome; Hereditary neoplastic syndrome. Identifiers: Orphanet 140162, MedGen C0027672, MeSH D009386, MONDO:0015356.
Familial cancer of breast. Also called: Hereditary breast cancer; BREAST CANCER, FAMILIAL; hereditary breast carcinoma. Identifiers: Orphanet 227535, MedGen C0346153, MONDO:0016419, OMIM 114480. Disease mechanism: loss of function.
Fanconi anemia complementation group J. Also called: BRIP1-Related Fanconi Anemia. Identifiers: Orphanet 84, MedGen C1836860, MONDO:0012187, OMIM 609054.

Submissions (3):

Myriad Genetics, Inc.
Classification: Benign for Familial cancer of breast. Last evaluated: 2024-09-10. Review status: criteria provided, single submitter. Criteria: Myriad Autosomal Dominant, Autosomal Recessive and X-Linked Classification Criteria (2023). Collection method: clinical testing. Allele origin: unknown.
Comment: This variant is considered benign. This variant is a silent/synonymous amino acid change and it is not expected to impact splicing.

Ambry Genetics
Classification: Likely benign for Hereditary cancer-predisposing syndrome. Last evaluated: 2023-12-01. Review status: criteria provided, single submitter. Criteria: Ambry Variant Classification Scheme 2023. Collection method: clinical testing. Allele origin: germline.

Labcorp Genetics (formerly Invitae), Labcorp
Classification: Likely benign for Familial cancer of breast; Fanconi anemia complementation group J. Last evaluated: 2020-10-13. Review status: criteria provided, single submitter. Criteria: Invitae Variant Classification Sherloc (09022015). Collection method: clinical testing. Allele origin: germline.

NM_032043.3(BRIP1):c.3405A>G (p.Glu1135=)

Gene: BRIP1 (BRCA1 interacting DNA helicase 1; minus strand). Cytogenetic location: 17q23.2.
Variant type: single nucleotide variant.
Coding change: c.3405A>G on transcript NM_032043.3 (MANE Select); coding-DNA position 3405, A replaced by G.
Protein change: p.Glu1135=; no amino-acid change (glutamic acid 1135 retained).
Molecular consequence: synonymous variant.
Genome position (GRCh38, 1-based): chr17:61,683,641, T>C on the plus strand (A>G on the coding strand, the complement: BRIP1 is on the minus strand). VCF-style: chr17-61683641-T-C. GRCh37 (hg19) VCF-style: chr17-59761002-T-C.
Other names: c.3405A>G (NM_032043.2).
Identifiers: ClinVar variation 1129727 (VCV001129727.12), dbSNP rs2144077304, ClinGen allele CA501335039.